The following is an entry in ClinVar:

ClinVar aggregate classification (germline): Uncertain significance (1 of 4 stars; one submission).

Allele frequency attached by ClinVar (database versions not stated): ExAC 0.00004; gnomAD exomes 0.00004; TOPMed 0.00006; gnomAD 0.00013; 1000 Genomes Project 30x 0.00016; 1000 Genomes Project 0.00020.
gnomAD v4.1: 78 of 1,614,174 alleles (0.0048%); highest among the groups gnomAD compares: Admixed American, 0.032%; no homozygotes.

Submission:

Labcorp Genetics (formerly Invitae), Labcorp
Classification: Uncertain significance. Last evaluated: 2024-10-16. Review status: criteria provided, single submitter. Criteria: Invitae Variant Classification Sherloc (09022015). Collection method: clinical testing. Allele origin: germline.
Comment: This sequence change replaces isoleucine, which is neutral and non-polar, with valine, which is neutral and non-polar, at codon 39 of the RPL23 protein (p.Ile39Val). This variant is present in population databases (rs140022189, gnomAD 0.009%). This variant has not been reported in the literature in individuals affected with RPL23-related conditions. ClinVar contains an entry for this variant (Variation ID: 1946095). An algorithm developed to predict the effect of missense changes on protein structure and function (PolyPhen-2) suggests that this variant is likely to be tolerated. In summary, the available evidence is currently insufficient to determine the role of this variant in disease. Therefore, it has been classified as a Variant of Uncertain Significance.

NM_000978.4(RPL23):c.115A>G (p.Ile39Val)

Genes: RPL23 (ribosomal protein L23; minus strand), LOC126862551 (P300/CBP strongly-dependent group 1 enhancer GRCh37_chr17:37008921-37010120; plus strand). Cytogenetic location: 17q12.
Variant type: single nucleotide variant.
Coding change: c.115A>G on transcript NM_000978.4 (MANE Select); coding-DNA position 115, A replaced by G.
Protein change: p.Ile39Val; replaces isoleucine 39 with valine.
Molecular consequence: missense variant.
Genome position (GRCh38, 1-based): chr17:38,852,715, T>C on the plus strand (A>G on the coding strand, the complement: RPL23 is on the minus strand). VCF-style: chr17-38852715-T-C. GRCh37 (hg19) VCF-style: chr17-37008968-T-C.
Other names: short protein forms I39V.
Identifiers: ClinVar variation 1946095 (VCV001946095.5), dbSNP rs140022189, ClinGen allele CA8526547.